The following is an entry in ClinVar:

ClinVar aggregate classification (germline): Uncertain significance. Review status: criteria provided, multiple submitters, no conflicts (2 of 4 stars). 2 submissions from 2 submitters: Uncertain significance (2). Last evaluated 2025-03-12.

Conditions:
Episodic ataxia type 2 (EA2). Also called: ATAXIA, EPISODIC, WITH NYSTAGMUS; ATAXIA, FAMILIAL PAROXYSMAL; CEREBELLAR ATAXIA, PAROXYSMAL, ACETAZOLAMIDE-RESPONSIVE; CEREBELLOPATHY, HEREDITARY PAROXYSMAL; EPISODIC ATAXIA, NYSTAGMUS-ASSOCIATED; ACETAZOLAMIDE-RESPONSIVE HEREDITARY PAROXYSMAL CEREBELLAR ATAXIA. Identifiers: Orphanet 97, MedGen C1720416, MONDO:0007163, OMIM 108500.
Developmental and epileptic encephalopathy, 42 (DEE42A). Also called: Epileptic encephalopathy, early infantile, 42; DEVELOPMENTAL AND EPILEPTIC ENCEPHALOPATHY 42A; EPILEPTIC ENCEPHALOPATHY, EARLY INFANTILE, 42A. Identifiers: MedGen C4310716, MONDO:0014917, OMIM 617106.

Allele frequency attached by ClinVar (database versions not stated): gnomAD exomes below 0.00001.

Submissions (2):

GeneDx
Classification: Uncertain significance. Last evaluated: 2025-03-12. Review status: criteria provided, single submitter. Criteria: GeneDx Variant Classification Process June 2021. Collection method: clinical testing. Allele origin: germline. Affected: yes.
Comment: Not observed at significant frequency in large population cohorts (gnomAD); In silico analysis supports that this missense variant has a deleterious effect on protein structure/function; Has not been previously published as pathogenic or benign to our knowledge

Labcorp Genetics (formerly Invitae), Labcorp
Classification: Uncertain significance for Developmental and epileptic encephalopathy, 42; Episodic ataxia type 2. Last evaluated: 2024-08-12. Review status: criteria provided, single submitter. Criteria: Invitae Variant Classification Sherloc (09022015). Collection method: clinical testing. Allele origin: germline.
Comment: This sequence change replaces proline, which is neutral and non-polar, with serine, which is neutral and polar, at codon 9 of the CACNA1A protein (p.Pro9Ser). This variant is not present in population databases (gnomAD no frequency). This variant has not been reported in the literature in individuals affected with CACNA1A-related conditions. ClinVar contains an entry for this variant (Variation ID: 1962719). Advanced modeling of protein sequence and biophysical properties (such as structural, functional, and spatial information, amino acid conservation, physicochemical variation, residue mobility, and thermodynamic stability) performed at Invitae indicates that this missense variant is not expected to disrupt CACNA1A protein function with a negative predictive value of 95%. In summary, the available evidence is currently insufficient to determine the role of this variant in disease. Therefore, it has been classified as a Variant of Uncertain Significance.

NM_001127222.2(CACNA1A):c.25C>T (p.Pro9Ser)

Gene: CACNA1A (calcium voltage-gated channel subunit alpha1 A; minus strand). Cytogenetic location: 19p13.13.
Variant type: single nucleotide variant.
Coding change: c.25C>T on transcript NM_001127222.2 (MANE Select); coding-DNA position 25, C replaced by T.
Protein change: p.Pro9Ser; replaces proline 9 with serine.
Molecular consequence: missense variant.
Genome position (GRCh38, 1-based): chr19:13,506,200, G>A on the plus strand (C>T on the coding strand, the complement: CACNA1A is on the minus strand). VCF-style: chr19-13506200-G-A. GRCh37 (hg19) VCF-style: chr19-13617014-G-A.
Other names: c.25C>T, p.Pro9Ser (NM_000068.4, NM_001127221.2, NM_001174080.2 and 1 more transcripts); short protein forms P9S.
Identifiers: ClinVar variation 1962719 (VCV001962719.6), dbSNP rs1555797187, ClinGen allele CA404971352.
Genomic context (GRCh38, chr19:13,506,200, plus strand): 5'-CTCCGCTGCCCACGACCACCCCGGCGGCTGCCCCGGAGCCTCCTCCCCCGTAGCGGGCCG[G>A]CATCTCGTCTCCGAAGCGGGCCATTCTGCAAAGAGCAAAGGGCTCCGGGTTACGCTGCGG-3'
Protein context (NP_001120694.1, residues 1-19): MARFGDEM[Pro9Ser]ARYGGGGSGA